The following is an entry in ClinVar:

ClinVar aggregate classification (germline): Uncertain significance (1 of 4 stars; one submission).

Conditions:
Renal cell carcinoma. Identifiers: Orphanet 217071, MedGen C0007134, MeSH D002292, MONDO:0005086, HP:0005584.

Submission:

Labcorp Genetics (formerly Invitae), Labcorp
Classification: Uncertain significance for Renal cell carcinoma. Last evaluated: 2023-10-24. Review status: criteria provided, single submitter. Criteria: Invitae Variant Classification Sherloc (09022015). Collection method: clinical testing. Allele origin: germline.
Comment: This sequence change replaces histidine, which is basic and polar, with glutamine, which is neutral and polar, at codon 476 of the MET protein (p.His476Gln). This variant is not present in population databases (gnomAD no frequency). This variant has not been reported in the literature in individuals affected with MET-related conditions. ClinVar contains an entry for this variant (Variation ID: 572144). An algorithm developed to predict the effect of missense changes on protein structure and function (PolyPhen-2) suggests that this variant is likely to be disruptive. In summary, the available evidence is currently insufficient to determine the role of this variant in disease. Therefore, it has been classified as a Variant of Uncertain Significance.

NM_000245.4(MET):c.1428T>A (p.His476Gln)

Gene: MET (MET proto-oncogene, receptor tyrosine kinase; plus strand). Cytogenetic location: 7q31.2.
Variant type: single nucleotide variant.
Coding change: c.1428T>A on transcript NM_000245.4 (MANE Select); coding-DNA position 1428, T replaced by A.
Protein change: p.His476Gln; replaces histidine 476 with glutamine.
Molecular consequence: missense variant.
Genome position (GRCh38, 1-based): chr7:116,739,985, T>A. VCF-style: chr7-116739985-T-A. GRCh37 (hg19) VCF-style: chr7-116380039-T-A.
Other names: c.1428T>A, p.His476Gln (NM_001127500.3, NM_001324401.3); c.138T>A, p.His46Gln (NM_001324402.2); short protein forms H476Q, H46Q.
Identifiers: ClinVar variation 572144 (VCV000572144.10), dbSNP rs1432416607, ClinGen allele CA368974071.